The following is an entry in ClinVar:

ClinVar aggregate classification (germline): Uncertain significance. Review status: criteria provided, multiple submitters, no conflicts (2 of 4 stars). 2 submissions from 2 submitters: Uncertain significance (2). Last evaluated 2025-05-28.

Allele frequency attached by ClinVar (database versions not stated): gnomAD exomes below 0.00001.
gnomAD v4.1: 2 of 1,547,712 alleles (0.00013%); highest among the groups gnomAD compares: Non-Finnish European, 0.00017%; no homozygotes.

Submissions (2):

GeneDx
Classification: Uncertain significance. Last evaluated: 2025-05-28. Review status: criteria provided, single submitter. Criteria: GeneDx Variant Classification Process June 2021. Collection method: clinical testing. Allele origin: germline. Affected: yes.
Comment: Not observed at significant frequency in large population cohorts (gnomAD); In silico analysis supports that this missense variant has a deleterious effect on protein structure/function; Has not been previously published as pathogenic or benign to our knowledge

Labcorp Genetics (formerly Invitae), Labcorp
Classification: Uncertain significance. Last evaluated: 2022-10-25. Review status: criteria provided, single submitter. Criteria: Invitae Variant Classification Sherloc (09022015). Collection method: clinical testing. Allele origin: germline.
Comment: In summary, the available evidence is currently insufficient to determine the role of this variant in disease. Therefore, it has been classified as a Variant of Uncertain Significance. Algorithms developed to predict the effect of missense changes on protein structure and function are either unavailable or do not agree on the potential impact of this missense change (SIFT: "Deleterious"; PolyPhen-2: "Not Available"; Align-GVGD: "Class C65"). ClinVar contains an entry for this variant (Variation ID: 1682847). This missense change has been observed in individual(s) with clinical features of GLTSCR1-related conditions (Invitae). This variant is not present in population databases (gnomAD no frequency). This sequence change replaces threonine, which is neutral and polar, with methionine, which is neutral and non-polar, at codon 117 of the GLTSCR1 protein (p.Thr117Met).

NM_001394372.1(BICRA):c.350C>T (p.Thr117Met)

Gene: BICRA (BRD4 interacting chromatin remodeling complex associated protein; plus strand). Cytogenetic location: 19q13.33.
Variant type: single nucleotide variant.
Coding change: c.350C>T on transcript NM_001394372.1 (MANE Select); coding-DNA position 350, C replaced by T.
Protein change: p.Thr117Met; replaces threonine 117 with methionine.
Molecular consequence: missense variant.
Genome position (GRCh38, 1-based): chr19:47,679,520, C>T. VCF-style: chr19-47679520-C-T. GRCh37 (hg19) VCF-style: chr19-48182777-C-T.
Other names: c.350C>T, p.Thr117Met (NM_015711.3); short protein forms T117M.
Identifiers: ClinVar variation 1682847 (VCV001682847.7), dbSNP rs2123584619, ClinGen allele CA406608800.